The following is an entry in ClinVar:

NM_004813.4(PEX16):c.461-6del

Gene: PEX16 (peroxisomal biogenesis factor 16; minus strand). Cytogenetic location: 11p11.2.
Variant type: Deletion.
Coding change: c.461-6del on transcript NM_004813.4 (MANE Select); 6 bases into the intron before coding-DNA position 461, one base deleted (T; older notation c.461-6delT).
Molecular consequence: intron variant.
Genome position (GRCh38, 1-based): chr11:45,914,690, A deleted on the plus strand (T on the coding strand, the reverse complement: PEX16 is on the minus strand). VCF-style (leftmost placement, unchanged base first): chr11-45914689-CA-C. GRCh37 (hg19) VCF-style: chr11-45936240-CA-C.
Other names: c.461-6del (NM_057174.3).
Identifiers: ClinVar variation 1384229 (VCV001384229.3), dbSNP rs1344841850, ClinGen allele CA599371309.

ClinVar aggregate classification (germline): Uncertain significance (1 of 4 stars; one submission).

Conditions:
Peroxisome biogenesis disorder. Identifiers: Orphanet 79189, MedGen C1832200, MONDO:0019234. Disease mechanism: loss of function.

Allele frequency attached by ClinVar (database versions not stated): gnomAD 0.00001; gnomAD exomes 0.00001.

Submission:

Labcorp Genetics (formerly Invitae), Labcorp
Classification: Uncertain significance for Peroxisome biogenesis disorder. Last evaluated: 2022-09-26. Review status: criteria provided, single submitter. Criteria: Invitae Variant Classification Sherloc (09022015). Collection method: clinical testing. Allele origin: germline.
Comment: This sequence change falls in intron 5 of the PEX16 gene. It does not directly change the encoded amino acid sequence of the PEX16 protein. It affects a nucleotide within the consensus splice site. This variant is present in population databases (no rsID available, gnomAD 0.003%). This variant has not been reported in the literature in individuals affected with PEX16-related conditions. ClinVar contains an entry for this variant (Variation ID: 1384229). Variants that disrupt the consensus splice site are a relatively common cause of aberrant splicing (PMID: 17576681, 9536098). Algorithms developed to predict the effect of sequence changes on RNA splicing suggest that this variant may disrupt the consensus splice site. In summary, the available evidence is currently insufficient to determine the role of this variant in disease. Therefore, it has been classified as a Variant of Uncertain Significance.

Literature cited by the submitters: PubMed 17576681; PubMed 9536098.